The following is an entry in ClinVar:

NM_001348323.3(TRIP12):c.2624del (p.Pro875fs)

Gene: TRIP12 (thyroid hormone receptor interactor 12; minus strand). Cytogenetic location: 2q36.3.
Variant type: Deletion.
Coding change: c.2624del on transcript NM_001348323.3 (MANE Select); coding-DNA position 2624, one base deleted (C; older notation c.2624delC).
Protein change: p.Pro875fs; shifts the reading frame from proline 875.
Molecular consequence: frameshift variant.
Genome position (GRCh38, 1-based): chr2:229,805,756, G deleted on the plus strand (C on the coding strand, the reverse complement: TRIP12 is on the minus strand); the first of 2 consecutive G bases (chr2:229,805,756-229,805,757); deleting either gives the same sequence. VCF-style (leftmost placement, unchanged base first): chr2-229805755-AG-A. GRCh37 (hg19) VCF-style: chr2-230670471-AG-A.
Other names: c.2543del, p.Pro848fs (NM_001284214.2, NM_001348315.2); c.2498del, p.Pro833fs (NM_001284215.2, NM_001348316.2, NM_001348317.1 and 1 more transcripts); c.1589del, p.Pro530fs (NM_001284216.2); c.2624del, p.Pro875fs (NM_001348319.1, NM_001348320.2, NM_001348322.1 and 4 more transcripts); c.2627del, p.Pro876fs (NM_001348321.1, NM_001348328.1, NM_001348329.2 and 1 more transcripts); c.2417del, p.Pro806fs (NM_001348331.1); c.2537del, p.Pro846fs (NM_001348332.1); c.2546del, p.Pro849fs (NM_001348333.1); and 1 more; short protein forms P530fs, P800fs, P806fs, P833fs, P846fs, P848fs, P849fs, P875fs.
Identifiers: ClinVar variation 3254927 (VCV003254927.1), dbSNP rs2472099492.

ClinVar aggregate classification (germline): Pathogenic (1 of 4 stars; one submission).

Conditions:
Clark-Baraitser syndrome. Also called: MENTAL RETARDATION, AUTOSOMAL DOMINANT 49; BARAITSER SYNDROME; Mental retardation, tall stature, obesity, macrocephaly and typical facial features; Intellectual disability, autosomal dominant 49. Identifiers: Orphanet 600731, MedGen C2931130, MONDO:0030914, OMIM 617752.

Submission:

Victorian Clinical Genetics Services, Murdoch Childrens Research Institute
Classification: Pathogenic for Clark-Baraitser syndrome. Last evaluated: 2023-07-17. Review status: criteria provided, single submitter. Criteria: ACMG Guidelines, 2015. Collection method: clinical testing. Allele origin: germline. Inheritance: Autosomal dominant inheritance. Affected: yes.
Comment: Based on the classification scheme VCGS_Germline_v1.3.4, this variant is classified as Pathogenic. Following criteria are met: 0102 - Loss of function is a known mechanism of disease in this gene and is associated with intellectual developmental disorder, autosomal dominant 49 (MIM#617752). (I) 0107 - This gene is associated with autosomal dominant disease. (I) 0201 - Variant is predicted to cause nonsense-mediated decay (NMD) and loss of protein (premature termination codon is located at least 54 nucleotides upstream of the final exon-exon junction). (SP) 0251 - This variant is heterozygous. (I) 0301 - Variant is absent from gnomAD (both v2 and v3). (SP) 0701 - Other NMD-predicted variants comparable to the one identified in this case have very strong previous evidence for pathogenicity (ClinVar). (SP) 0807 - This variant has no previous evidence of pathogenicity. (I) 0905 - No published segregation evidence has been identified for this variant. (I) 1007 - No published functional evidence has been identified for this variant. (SP) Legend: (SP) - Supporting pathogenic, (I) - Information, (SB) - Supporting benign